The following is an entry in ClinVar:

ClinVar aggregate classification (germline): Conflicting classifications of pathogenicity. Review status: criteria provided, conflicting classifications (1 of 4 stars). 3 submissions from 3 submitters: Uncertain significance (2); Likely benign (1). Last evaluated 2024-02-01.

Conditions:
Charcot-Marie-Tooth disease axonal type 2O. Also called: Charcot-Marie-Tooth disease, axonal, type 20; Charcot-Marie-Tooth Neuropathy Type 2O; CHARCOT-MARIE-TOOTH NEUROPATHY, AXONAL, TYPE 2O; CHARCOT-MARIE-TOOTH DISEASE, AXONAL, AUTOSOMAL DOMINANT, TYPE 2O. Identifiers: Orphanet 284232, MedGen C3280220, MONDO:0013644, OMIM 614228.

Allele frequency attached by ClinVar (database versions not stated): TOPMed below 0.00001; gnomAD 0.00001.
gnomAD v4.1: 5 of 1,613,938 alleles (0.00031%); highest among the groups gnomAD compares: Admixed American, 0.0017%; no homozygotes.

Submissions (3):

CeGaT Center for Human Genetics Tuebingen
Classification: Uncertain significance. Last evaluated: 2024-02-01. Review status: criteria provided, single submitter. Criteria: CeGaT Center For Human Genetics Tuebingen Variant Classification Criteria Version 2. Collection method: clinical testing. Allele origin: germline. Affected: yes. Observed: 1 variant allele.
Comment: DYNC1H1: PM2

Labcorp Genetics (formerly Invitae), Labcorp
Classification: Likely benign for Charcot-Marie-Tooth disease axonal type 2O. Last evaluated: 2023-05-16. Review status: criteria provided, single submitter. Criteria: Invitae Variant Classification Sherloc (09022015). Collection method: clinical testing. Allele origin: germline.

GeneDx
Classification: Uncertain significance. Last evaluated: 2022-01-27. Review status: criteria provided, single submitter. Criteria: GeneDx Variant Classification Process June 2021. Collection method: clinical testing. Allele origin: germline. Affected: yes.
Comment: In silico analysis supports that this missense variant has a deleterious effect on protein structure/function; Has not been previously published as pathogenic or benign to our knowledge; This variant is associated with the following publications: (PMID: 26100331, 25609763, 25512093)

NM_001376.5(DYNC1H1):c.12259G>A (p.Ala4087Thr)

Gene: DYNC1H1 (dynein cytoplasmic 1 heavy chain 1; plus strand). Cytogenetic location: 14q32.31.
Variant type: single nucleotide variant.
Coding change: c.12259G>A on transcript NM_001376.5 (MANE Select); coding-DNA position 12259, G replaced by A.
Protein change: p.Ala4087Thr; replaces alanine 4087 with threonine.
Molecular consequence: missense variant.
Genome position (GRCh38, 1-based): chr14:102,042,272, G>A. VCF-style: chr14-102042272-G-A. GRCh37 (hg19) VCF-style: chr14-102508609-G-A.
Other names: short protein forms A4087T.
Identifiers: ClinVar variation 1303762 (VCV001303762.28), dbSNP rs1394701012, ClinGen allele CA391040352.
Genomic context (GRCh38, chr14:102,042,272, plus strand): 5'-AGTTTCCCTGCACCAGGCTCTGCAGAAGGCTTTAACCAAGCAGATAAGGCAATAAACACC[G>A]CTGTAAAGTCGGGCAGGTAGGCCTGTTCTCTTTGGCTGAAGAAAGCCTTAGTCCCCAGGC-3'
Protein context (NP_001367.2, residues 4077-4097): FNQADKAINT[Ala4087Thr]VKSGRWVMLK